The following is an entry in ClinVar:

ClinVar aggregate classification (germline): Uncertain significance (1 of 4 stars; one submission).

Conditions:
Inborn genetic diseases. Identifiers: MedGen C0950123, MeSH D030342.

Allele frequency attached by ClinVar (database versions not stated): gnomAD exomes below 0.00001.
gnomAD v4.1: 1 of 1,608,762 alleles (0.000062%); highest among the groups gnomAD compares: South Asian, 0.0011%; no homozygotes.

Submission:

Ambry Genetics
Classification: Uncertain significance for Inborn genetic diseases. Last evaluated: 2021-06-09. Review status: criteria provided, single submitter. Criteria: Ambry Variant Classification Scheme 2023. Collection method: clinical testing. Allele origin: germline.
Comment: The c.7533+5A>G intronic alteration consists of a A to G substitution 5 nucleotides after exon 36 (coding exon 35) of the C5orf42 gene. Based on insufficient or conflicting evidence, the clinical significance of this alteration remains unclear.

NM_001384732.1(CPLANE1):c.7533+5A>G

Gene: CPLANE1 (ciliogenesis and planar polarity effector complex subunit 1; minus strand). Cytogenetic location: 5p13.2.
Variant type: single nucleotide variant.
Coding change: c.7533+5A>G on transcript NM_001384732.1 (MANE Select); 5 bases into the intron after coding-DNA position 7533, A replaced by G.
Molecular consequence: intron variant.
Genome position (GRCh38, 1-based): chr5:37,165,534, T>C on the plus strand (A>G on the coding strand, the complement: CPLANE1 is on the minus strand). VCF-style: chr5-37165534-T-C. GRCh37 (hg19) VCF-style: chr5-37165636-T-C.
Other names: c.7533+5A>G (NM_023073.4).
Identifiers: ClinVar variation 3076689 (VCV003076689.1), dbSNP rs199620862, ClinGen allele CA117051654.